The following is an entry in ClinVar:

ClinVar aggregate classification (germline): Pathogenic. Review status: criteria provided, multiple submitters, no conflicts (2 of 4 stars). 2 submissions from 2 submitters: Pathogenic (2). Last evaluated 2024-05-08.

Conditions:
Ellis-van Creveld syndrome (EVC). Also called: Chondroectodermal dysplasia; MESOECTODERMAL DYSPLASIA. Identifiers: Orphanet 289, MedGen C0013903, MONDO:0009162, OMIM 225500.
Curry-Hall syndrome (WAD). Also called: WEYERS ACRODENTAL DYSOSTOSIS. Identifiers: Orphanet 952, MedGen C0457013, MONDO:0008673, OMIM 193530.

Submissions (2):

Myriad Genetics, Inc.
Classification: Pathogenic for Ellis-van Creveld syndrome. Last evaluated: 2024-05-08. Review status: criteria provided, single submitter. Criteria: Myriad Autosomal Dominant, Autosomal Recessive and X-Linked Classification Criteria (2023). Collection method: clinical testing. Allele origin: unknown.
Comment: NM_153717.2(EVC):c.286A>T(K96*) is expected to be pathogenic in the context of EVC-related Ellis-van Creveld syndrome. This variant is predicted to lead to an abnormal or absent protein product due to the creation of a premature termination codon in EVC, a gene where loss-of-function variants are known to be pathogenic. Please note: this variant was assessed in the context of healthy population screening.

Labcorp Genetics (formerly Invitae), Labcorp
Classification: Pathogenic for Curry-Hall syndrome; Ellis-van Creveld syndrome. Last evaluated: 2020-11-23. Review status: criteria provided, single submitter. Criteria: Invitae Variant Classification Sherloc (09022015). Collection method: clinical testing. Allele origin: germline.
Comment: For these reasons, this variant has been classified as Pathogenic. This variant has not been reported in the literature in individuals with EVC-related conditions. This variant is not present in population databases (ExAC no frequency). This sequence change creates a premature translational stop signal (p.Lys96*) in the EVC gene. It is expected to result in an absent or disrupted protein product. Loss-of-function variants in EVC are known to be pathogenic (PMID: 23220543).

Literature cited by the submitters: PubMed 23220543 (cited by Labcorp Genetics (formerly Invitae), Labcorp).

NM_153717.3(EVC):c.286A>T (p.Lys96Ter)

Gene: EVC (EvC ciliary complex subunit 1; plus strand). Cytogenetic location: 4p16.2.
Variant type: single nucleotide variant.
Coding change: c.286A>T on transcript NM_153717.3 (MANE Select); coding-DNA position 286, A replaced by T.
Protein change: p.Lys96Ter; replaces lysine 96 with a stop codon.
Molecular consequence: nonsense.
Genome position (GRCh38, 1-based): chr4:5,719,359, A>T. VCF-style: chr4-5719359-A-T. GRCh37 (hg19) VCF-style: chr4-5721086-A-T.
Other names: c.286A>T, p.Lys96Ter (NM_001306090.2, NM_001306092.2); short protein forms K96*.
Identifiers: ClinVar variation 1445523 (VCV001445523.8), dbSNP rs2151842550, ClinGen allele CA356158372.
Genomic context (GRCh38, chr4:5,719,359, plus strand): 5'-CCCTCGGAAACTGGCTCCCCATCAAGGAGGAGGAAGAGAGAAGTGCAGATGTCGAAGGAC[A>T]AGGAAGCTGTTGATGTAAGCTTGGTGTTGATGTTTGTTTGTGGAGGCACATGTGGGAGGT-3'